The following is an entry in ClinVar:

ClinVar aggregate classification (germline): Uncertain significance (1 of 4 stars; one submission).

Conditions:
Moyamoya disease 2 (MYMY2). Also called: MOYAMOYA DISEASE 2, SUSCEPTIBILITY TO. Identifiers: Orphanet 2573, MedGen C1846689, MONDO:0011784, OMIM 607151.

Submission:

Victorian Clinical Genetics Services, Murdoch Childrens Research Institute
Classification: Uncertain significance for Moyamoya disease 2. Last evaluated: 2024-10-09. Review status: criteria provided, single submitter. Criteria: ACMG Guidelines, 2015. Collection method: clinical testing. Allele origin: germline. Affected: yes.
Comment: Based on the classification scheme VCGS_Germline_v1.3.4, this variant is classified as VUS-3C. Following criteria are met: 0105 - The mechanism of disease for this gene is not clearly established. However, gain of function, loss of function and dominant negative have been reported (PMID: 26662949, 35135845, 37399508). (I) 0108 - This gene is associated with susceptibility to moyamoya disease 2 (MIM#607151), with both recessive and dominant inheritance patterns have been reported, where recessive inheritance has earlier onset of symptoms (PMID: 26198278). (I) 0112 - The condition associated with this gene has incomplete penetrance. Low penetrance is well reported for the p.(Arg4810Lys) variant in this gene (PMID: 35605621). (I) 0200 - Variant is predicted to result in a missense amino acid change from alanine to serine. (I) 0251 - This variant is heterozygous. (I) 0301 - Variant is absent from gnomAD (both v2 and v3). (SP) 0309 - An alternative amino acid change at the same position has been observed in gnomAD (v2) (6 heterozygotes, 0 homozygotes). (I) 0503 - Missense variant consistently predicted to be tolerated by multiple in silico tools or not conserved in placental mammals with a minor amino acid change. (SB) 0600 - Variant is located in the annotated AAA+ ATPase domain (PMID: 37924258, 32573437). (I) 0705 - No comparable missense variants have previous evidence for pathogenicity. (I) 0807 - This variant has no previous evidence of pathogenicity. (I) 0905 - No published segregation evidence has been identified for this variant. (I) 1007 - No published functional evidence has been identified for this variant. (I) 1208 - Inheritance information for this variant is not currently available in this individual. (I) Legend: (SP) - Supporting pathogenic, (I) - Information, (SB) - Supporting benign

Literature cited by the submitters: PubMed 26198278; PubMed 26662949; PubMed 32573437; PubMed 35135845; PubMed 35605621; PubMed 37399508; PubMed 37924258.

NM_001256071.3(RNF213):c.8905G>T (p.Ala2969Ser)

Gene: RNF213 (ring finger protein 213; plus strand). Cytogenetic location: 17q25.3.
Variant type: single nucleotide variant.
Coding change: c.8905G>T on transcript NM_001256071.3 (MANE Select); coding-DNA position 8905, G replaced by T.
Protein change: p.Ala2969Ser; replaces alanine 2969 with serine.
Molecular consequence: missense variant.
Genome position (GRCh38, 1-based): chr17:80,347,240, G>T. VCF-style: chr17-80347240-G-T. GRCh37 (hg19) VCF-style: chr17-78321040-G-T.
Other names: c.9052G>T, p.Ala3018Ser (NM_001410195.1, NM_020914.5); short protein forms A2969S, A3018S.
Identifiers: ClinVar variation 3377258 (VCV003377258.1).